The following is an entry in ClinVar:

NM_015466.4(PTPN23):c.490G>A (p.Ala164Thr)

Gene: PTPN23 (protein tyrosine phosphatase non-receptor type 23; plus strand). Cytogenetic location: 3p21.31.
Variant type: single nucleotide variant.
Coding change: c.490G>A on transcript NM_015466.4 (MANE Select); coding-DNA position 490, G replaced by A.
Protein change: p.Ala164Thr; replaces alanine 164 with threonine.
Molecular consequence: missense variant.
Genome position (GRCh38, 1-based): chr3:47,405,990, G>A. VCF-style: chr3-47405990-G-A. GRCh37 (hg19) VCF-style: chr3-47447480-G-A.
Other names: c.112G>A, p.Ala38Thr (NM_001304482.2); short protein forms A164T, A38T.
Identifiers: ClinVar variation 2106981 (VCV002106981.1), dbSNP rs1390456751, ClinGen allele CA352543303.

ClinVar aggregate classification (germline): Uncertain significance (1 of 4 stars; one submission).

Allele frequency attached by ClinVar (database versions not stated): TOPMed below 0.00001; gnomAD 0.00001.

Submission:

Labcorp Genetics (formerly Invitae), Labcorp
Classification: Uncertain significance. Last evaluated: 2022-03-02. Review status: criteria provided, single submitter. Criteria: Invitae Variant Classification Sherloc (09022015). Collection method: clinical testing. Allele origin: germline.
Comment: This sequence change replaces alanine, which is neutral and non-polar, with threonine, which is neutral and polar, at codon 164 of the PTPN23 protein (p.Ala164Thr). This variant is not present in population databases (gnomAD no frequency). This variant has not been reported in the literature in individuals affected with PTPN23-related conditions. Algorithms developed to predict the effect of missense changes on protein structure and function are either unavailable or do not agree on the potential impact of this missense change (SIFT: "Tolerated"; PolyPhen-2: "Not Available"; Align-GVGD: "Class C0"). In summary, the available evidence is currently insufficient to determine the role of this variant in disease. Therefore, it has been classified as a Variant of Uncertain Significance.